The following is an entry in ClinVar:

NM_138386.3(NAF1):c.299G>A (p.Gly100Glu)

Gene: NAF1 (nuclear assembly factor 1 ribonucleoprotein; minus strand). Cytogenetic location: 4q32.2.
Variant type: single nucleotide variant.
Coding change: c.299G>A on transcript NM_138386.3 (MANE Select); coding-DNA position 299, G replaced by A.
Protein change: p.Gly100Glu; replaces glycine 100 with glutamic acid.
Molecular consequence: missense variant.
Genome position (GRCh38, 1-based): chr4:163,166,429, C>T on the plus strand (G>A on the coding strand, the complement: NAF1 is on the minus strand). VCF-style: chr4-163166429-C-T. GRCh37 (hg19) VCF-style: chr4-164087581-C-T.
Other names: c.299G>A, p.Gly100Glu (NM_001128931.2); short protein forms G100E.
Identifiers: ClinVar variation 2994773 (VCV002994773.3), dbSNP rs749971489, ClinGen allele CA358661566.

ClinVar aggregate classification (germline): Uncertain significance (1 of 4 stars; one submission).

Allele frequency attached by ClinVar (database versions not stated): gnomAD exomes 0.00001.
gnomAD v4.1: 8 of 1,608,348 alleles (0.0005%); highest among the groups gnomAD compares: Admixed American, 0.005%; no homozygotes.

Submission:

Labcorp Genetics (formerly Invitae), Labcorp
Classification: Uncertain significance. Last evaluated: 2024-10-07. Review status: criteria provided, single submitter. Criteria: Invitae Variant Classification Sherloc (09022015). Collection method: clinical testing. Allele origin: germline.
Comment: This sequence change replaces glycine, which is neutral and non-polar, with glutamic acid, which is acidic and polar, at codon 100 of the NAF1 protein (p.Gly100Glu). This variant is present in population databases (no rsID available, gnomAD 0.009%). This variant has not been reported in the literature in individuals affected with NAF1-related conditions. An algorithm developed to predict the effect of missense changes on protein structure and function (PolyPhen-2) suggests that this variant is likely to be tolerated. In summary, the available evidence is currently insufficient to determine the role of this variant in disease. Therefore, it has been classified as a Variant of Uncertain Significance.